The following is an entry in ClinVar:

ClinVar aggregate classification (germline): Likely benign. Review status: criteria provided, multiple submitters, no conflicts (2 of 4 stars). 2 submissions from 2 submitters: Likely benign (2). Last evaluated 2023-10-12.

Conditions:
Developmental and epileptic encephalopathy, 31A. Also called: Developmental and epileptic encephalopathy, 31; Epileptic encephalopathy, early infantile, 31. Identifiers: Orphanet 2382, MedGen C4225357, MONDO:0014598, OMIM 616346.

Allele frequency attached by ClinVar (database versions not stated): gnomAD exomes below 0.00001; ExAC 0.00001; gnomAD 0.00001 and 0.00002; TOPMed 0.00001.
gnomAD v4.1: 2 of 1,605,360 alleles (0.00012%); highest among the groups gnomAD compares: African/African-American, 0.0027%; no homozygotes.

Submissions (2):

Labcorp Genetics (formerly Invitae), Labcorp
Classification: Likely benign for Developmental and epileptic encephalopathy, 31A. Last evaluated: 2023-10-12. Review status: criteria provided, single submitter. Criteria: Invitae Variant Classification Sherloc (09022015). Collection method: clinical testing. Allele origin: germline.

GeneDx
Classification: Likely benign. Last evaluated: 2016-06-30. Review status: criteria provided, single submitter. Criteria: GeneDx Variant Classification (06012015). Collection method: clinical testing. Allele origin: germline. Affected: yes.
Comment: This variant is considered likely benign or benign based on one or more of the following criteria: it is a conservative change, it occurs at a poorly conserved position in the protein, it is predicted to be benign by multiple in silico algorithms, and/or has population frequency not consistent with disease.

NM_004408.4(DNM1):c.850-17C>G

Gene: DNM1 (dynamin 1; plus strand). Cytogenetic location: 9q34.11.
Variant type: single nucleotide variant.
Coding change: c.850-17C>G on transcript NM_004408.4 (MANE Select); 17 bases into the intron before coding-DNA position 850, C replaced by G.
Molecular consequence: intron variant.
Genome position (GRCh38, 1-based): chr9:128,222,180, C>G. VCF-style: chr9-128222180-C-G. GRCh37 (hg19) VCF-style: chr9-130984459-C-G.
Other names: c.850-17C>G (NM_001005336.3, NM_001288738.2, NM_001288737.2 and 1 more transcripts).
Identifiers: ClinVar variation 387214 (VCV000387214.9), dbSNP rs764505046, ClinGen allele CA5257916.